The following is an entry in ClinVar:

ClinVar aggregate classification (germline): Uncertain significance (1 of 4 stars; one submission).

Submission:

Ambry Genetics
Classification: Uncertain significance. Last evaluated: 2021-10-13. Review status: criteria provided, single submitter. Criteria: Ambry Variant Classification Scheme 2023. Collection method: clinical testing. Allele origin: germline.
Comment: The p.Y431C variant (also known as c.1292A>G), located in coding exon 13 of the PRKDC gene, results from an A to G substitution at nucleotide position 1292. The tyrosine at codon 431 is replaced by cysteine, an amino acid with highly dissimilar properties. This amino acid position is conserved. In addition, the in silico prediction for this alteration is inconclusive. Since supporting evidence is limited at this time, the clinical significance of this alteration remains unclear.

NM_006904.7(PRKDC):c.1292A>G (p.Tyr431Cys)

Gene: PRKDC (protein kinase, DNA-activated, catalytic subunit; minus strand). Cytogenetic location: 8q11.21.
Variant type: single nucleotide variant.
Coding change: c.1292A>G on transcript NM_006904.7 (MANE Select); coding-DNA position 1292, A replaced by G.
Protein change: p.Tyr431Cys; replaces tyrosine 431 with cysteine.
Molecular consequence: missense variant.
Genome position (GRCh38, 1-based): chr8:47,935,887, T>C on the plus strand (A>G on the coding strand, the complement: PRKDC is on the minus strand). VCF-style: chr8-47935887-T-C. GRCh37 (hg19) VCF-style: chr8-48848447-T-C.
Other names: c.1292A>G, p.Tyr431Cys (NM_001081640.2); short protein forms Y431C.
Identifiers: ClinVar variation 1769129 (VCV001769129.2), dbSNP rs2551879572, ClinGen allele CA371165994.
Genomic context (GRCh38, chr8:47,935,887, plus strand): 5'-GGACTGTACTGTGGGAAACTGTCTATCTGCATCACCACGAGGTGCTCCAGAACTGGAGTA[T>C]ACACCTCAGGAACCTACCGGAAATAATCAGCAAACCGTGAGTTAGAGGAGGTAATCAATG-3'
Protein context (NP_008835.5, residues 421-441): LLYLDTVPEV[Tyr431Cys]TPVLEHLVVM